The following is an entry in ClinVar:

ClinVar aggregate classification (germline): Benign (1 of 4 stars; one submission).

Allele frequency attached by ClinVar (database versions not stated): ESP Exome Variant Server 0.27921; TOPMed 0.28238; gnomAD 0.29127; 1000 Genomes Project 30x 0.33354; 1000 Genomes Project 0.34185; ExAC 0.36445.

Submission:

Unidad de Genómica Garrahan, Hospital de Pediatría Garrahan
Classification: Benign. Last evaluated: 2024-07-15. Review status: criteria provided, single submitter. Criteria: ACMG Guidelines, 2015. Collection method: clinical testing. Allele origin: germline. Affected: no. Observed: 45 variant alleles.
Comment: This variant is classified as Benign based on local population frequency. This variant was detected in 48% of patients studied in a panel designed for Epileptic and Developmental Encephalopathy and Progressive Myoclonus Epilepsy. Number of patients: 45. Only high quality variants are reported.

NM_004068.4(AP2M1):c.1173+24G>C

Gene: AP2M1 (adaptor related protein complex 2 subunit mu 1; plus strand). Cytogenetic location: 3q27.1.
Variant type: single nucleotide variant.
Coding change: c.1173+24G>C on transcript NM_004068.4 (MANE Select); 24 bases into the intron after coding-DNA position 1173, G replaced by C.
Molecular consequence: intron variant.
Genome position (GRCh38, 1-based): chr3:184,182,892, G>C. VCF-style: chr3-184182892-G-C. GRCh37 (hg19) VCF-style: chr3-183900680-G-C.
Other names: c.1248+24G>C (NM_001311198.2); c.1167+24G>C (NM_001025205.2).
Identifiers: ClinVar variation 3255273 (VCV003255273.2), dbSNP rs843366.
Genomic context (GRCh38, chr3:184,182,892, plus strand): 5'-GAAATGGGCTCGACCCCCCATTTCCATGAACTTTGAGGTATGGCAGAGGAGGGGCCTAGA[G>C]TCATGCCAGGGTATGCTGGAAGACCTCTTAGAGATCATTCCGATAAACTGCTGCACCTTA-3'